The following is an entry in ClinVar:

NM_000334.4(SCN4A):c.1406A>G (p.Gln469Arg)

Gene: SCN4A (sodium voltage-gated channel alpha subunit 4; minus strand). Cytogenetic location: 17q23.3.
Variant type: single nucleotide variant.
Coding change: c.1406A>G on transcript NM_000334.4 (MANE Select); coding-DNA position 1406, A replaced by G.
Protein change: p.Gln469Arg; replaces glutamine 469 with arginine.
Molecular consequence: missense variant.
Genome position (GRCh38, 1-based): chr17:63,964,514, T>C on the plus strand (A>G on the coding strand, the complement: SCN4A is on the minus strand). VCF-style: chr17-63964514-T-C. GRCh37 (hg19) VCF-style: chr17-62041874-T-C.
Other names: short protein forms Q469R.
Identifiers: ClinVar variation 2047499 (VCV002047499.4), dbSNP rs2509315523, ClinGen allele CA400634857.
Genomic context (GRCh38, chr17:63,964,514, plus strand): 5'-CCCTGAGTCCAGACCTTCTCCAGCTCCTCCTGGTGCTTTTTGAACTTCTCAAGCATCTGC[T>C]GAAACTCCTCCTCTTTCTCCTTATCCTCGGCCAGGGTGGCCTCATTCTGCTCGGCATATG-3'
Protein context (NP_000325.4, residues 459-479): AEDKEKEEEF[Gln469Arg]QMLEKFKKHQ

ClinVar aggregate classification (germline): Uncertain significance (1 of 4 stars; one submission).

Conditions:
Hyperkalemic periodic paralysis. Also called: Familial hyperkalemic periodic paralysis; Gamstorp disease. Identifiers: Orphanet 682, MedGen C0238357, MONDO:0008224, OMIM 170500, HP:0007215.

Allele frequency attached by ClinVar (database versions not stated): gnomAD exomes below 0.00001.

Submission:

Labcorp Genetics (formerly Invitae), Labcorp
Classification: Uncertain significance for Hyperkalemic periodic paralysis. Last evaluated: 2022-08-10. Review status: criteria provided, single submitter. Criteria: Invitae Variant Classification Sherloc (09022015). Collection method: clinical testing. Allele origin: germline.
Comment: In summary, the available evidence is currently insufficient to determine the role of this variant in disease. Therefore, it has been classified as a Variant of Uncertain Significance. Algorithms developed to predict the effect of missense changes on protein structure and function are either unavailable or do not agree on the potential impact of this missense change (SIFT: "Deleterious"; PolyPhen-2: "Benign"; Align-GVGD: "Class C0"). This variant has not been reported in the literature in individuals affected with SCN4A-related conditions. This variant is not present in population databases (gnomAD no frequency). This sequence change replaces glutamine, which is neutral and polar, with arginine, which is basic and polar, at codon 469 of the SCN4A protein (p.Gln469Arg).